The following is an entry in ClinVar:

ClinVar aggregate classification (germline): Likely pathogenic. Review status: criteria provided, single submitter (1 of 4 stars). 2 submissions from 2 submitters: Likely pathogenic (1). 1 of the submissions does not count toward it. Last evaluated 2022-01-03.

Conditions:
Abnormal bleeding. Also called: Bleeding diathesis. Identifiers: MedGen C1458140, HP:0001892.
Thrombocytopenia. Identifiers: MedGen C0040034, MeSH D013921, MONDO:0002049, HP:0001873.
Platelet-type bleeding disorder 15 (BDPLT15). Also called: MACROTHROMBOCYTOPENIA, AUTOSOMAL DOMINANT, ACTN1-RELATED. Identifiers: Orphanet 140957, MedGen C3554663, MONDO:0014078, OMIM 615193.

gnomAD v4.1: 1 of 1,588,786 alleles (0.000063%); highest among the groups gnomAD compares: Non-Finnish European, 0.000086%; no homozygotes.

Submissions (2):

3billion
Classification: Likely pathogenic for Platelet-type bleeding disorder 15. Last evaluated: 2022-01-03. Review status: criteria provided, single submitter. Criteria: ACMG Guidelines, 2015. Collection method: clinical testing. Allele origin: germline. Affected: yes. Observed: 1 heterozygote.
Comment: Same nucleotide change resulting in same amino acid change has been previously reported to be associated with ACTN1 related disorder (PMID:27479822, PS1_P). In silico tool predictions suggest damaging effect of the variant on gene or gene product (REVEL: 0.684, PP3_P). A missense variant is a common mechanism associated with Bleeding disorder (PP2_P). It is not observed in the gnomAD v2.1.1 dataset (PM2_M). Therefore, this variant is classified as likely pathogenic according to the recommendation of ACMG/AMP guideline.

Birmingham Platelet Group; University of Birmingham
Classification: Uncertain significance for Thrombocytopenia; Abnormal bleeding. Last evaluated: 2020-05-01. Review status: no assertion criteria provided. Collection method: research. Allele origin: germline. Affected: yes. Not counted in ClinVar's aggregate classification.

Literature cited by the submitters: PubMed 27479822 (cited by 3billion).

NM_001130004.2(ACTN1):c.2728G>C (p.Gly910Arg)

Gene: ACTN1 (actinin alpha 1; minus strand). Cytogenetic location: 14q24.1.
Variant type: single nucleotide variant.
Coding change: c.2728G>C on transcript NM_001130004.2 (MANE Select); coding-DNA position 2728, G replaced by C.
Protein change: p.Gly910Arg; replaces glycine 910 with arginine.
Molecular consequence: missense variant.
Genome position (GRCh38, 1-based): chr14:68,874,876, C>G on the plus strand (G>C on the coding strand, the complement: ACTN1 is on the minus strand). VCF-style: chr14-68874876-C-G. GRCh37 (hg19) VCF-style: chr14-69341593-C-G.
Other names: c.2662G>C, p.Gly888Arg (NM_001102.4); c.2647G>C, p.Gly883Arg (NM_001130005.2); short protein forms G883R, G888R, G910R.
Identifiers: ClinVar variation 988884 (VCV000988884.2), dbSNP rs192640536, ClinGen allele CA390178624.